The following is an entry in ClinVar:

ClinVar aggregate classification (germline): Pathogenic (1 of 4 stars; one submission).

Conditions:
Familial cancer of breast. Also called: hereditary breast carcinoma; BREAST CANCER, FAMILIAL; Hereditary breast cancer. Identifiers: Orphanet 227535, MedGen C0346153, MONDO:0016419, OMIM 114480. Disease mechanism: loss of function.

Submission:

Labcorp Genetics (formerly Invitae), Labcorp
Classification: Pathogenic for Familial cancer of breast. Last evaluated: 2025-02-09. Review status: criteria provided, single submitter. Criteria: Invitae Variant Classification Sherloc (09022015). Collection method: clinical testing. Allele origin: germline.
Comment: This sequence change creates a premature translational stop signal (p.Gln795Hisfs*3) in the PALB2 gene. It is expected to result in an absent or disrupted protein product. Loss-of-function variants in PALB2 are known to be pathogenic (PMID: 17200668, 17200671, 17200672, 24136930, 25099575). This variant is not present in population databases (gnomAD no frequency). This variant has not been reported in the literature in individuals affected with PALB2-related conditions. For these reasons, this variant has been classified as Pathogenic.

Literature cited by the submitters: PubMed 17200668; PubMed 17200671; PubMed 17200672; PubMed 24136930; PubMed 25099575.

NM_024675.4(PALB2):c.2385_2395del (p.Gln795fs)

Gene: PALB2 (partner and localizer of BRCA2; minus strand). Cytogenetic location: 16p12.2.
Variant type: Deletion.
Coding change: c.2385_2395del on transcript NM_024675.4 (MANE Select); coding-DNA positions 2385 to 2395, 11 bases deleted (AGGACAACCTA).
Protein change: p.Gln795fs; shifts the reading frame from glutamine 795.
Molecular consequence: frameshift variant. On other transcripts: intron variant (1).
Genome position (GRCh38, 1-based): chr16:23,629,759-23,629,769, TAGGTTGTCCT deleted on the plus strand (AGGACAACCTA on the coding strand, the reverse complement: PALB2 is on the minus strand); deleting any 11 consecutive bases within chr16:23,629,759-23,629,770 gives the same sequence; the c. name uses the placement nearest the transcript's 3' end. VCF-style (leftmost placement, unchanged base first): chr16-23629758-GTAGGTTGTCCT-G. GRCh37 (hg19) VCF-style: chr16-23641079-GTAGGTTGTCCT-G.
Other names: c.2325_2335del, p.Gln775fs (NM_001407296.1); c.2385_2395del, p.Gln795fs (NM_001407297.1, NM_001407301.1, NM_001407298.1 and 3 more transcripts); c.1500_1510del, p.Gln500fs (NM_001407304.1, NM_001407305.1, NM_001407306.1 and 5 more transcripts); c.597_607del, p.Gln199fs (NM_001407312.1, NM_001407313.1); c.49-494_49-484del (NM_001407314.1); short protein forms Q500fs, Q199fs, Q795fs, Q775fs.
Identifiers: ClinVar variation 4712301 (VCV004712301.1).